The following is an entry in ClinVar:

NM_000642.3(AGL):c.338T>A (p.Leu113Ter)

Gene: AGL (amylo-alpha-1,6-glucosidase and 4-alpha-glucanotransferase; plus strand). Cytogenetic location: 1p21.2.
Variant type: single nucleotide variant.
Coding change: c.338T>A on transcript NM_000642.3 (MANE Select); coding-DNA position 338, T replaced by A.
Protein change: p.Leu113Ter; replaces leucine 113 with a stop codon.
Molecular consequence: nonsense.
Genome position (GRCh38, 1-based): chr1:99,862,301, T>A. VCF-style: chr1-99862301-T-A. GRCh37 (hg19) VCF-style: chr1-100327857-T-A.
Other names: c.338T>A, p.Leu113Ter (NM_000028.3, NM_000643.3, NM_000644.3 and 5 more transcripts); c.290T>A, p.Leu97Ter (NM_000646.3); short protein forms L113*, L97*.
Identifiers: ClinVar variation 1724984 (VCV001724984.2), dbSNP rs2524498281, ClinGen allele CA341331016.

ClinVar aggregate classification (germline): Likely pathogenic (1 of 4 stars; one submission).

Conditions:
Glycogen storage disease type III (GSD3). Also called: FORBES DISEASE; Cori disease. Identifiers: Orphanet 366, MedGen C0017922, MONDO:0009291, OMIM 232400.

Submission:

Myriad Genetics, Inc.
Classification: Likely pathogenic for Glycogen storage disease type III. Last evaluated: 2022-03-04. Review status: criteria provided, single submitter. Criteria: Myriad Women's Health Autosomal Recessive and X-Linked Classification Criteria (2021). Collection method: clinical testing. Allele origin: unknown.
Comment: NM_000642.2(AGL):c.338T>A(L113*) is expected to be pathogenic in the context of glycogen storage disease type III. This variant is predicted to lead to an abnormal or absent protein product due to the creation of a premature termination codon in AGL, a gene where loss-of-function variants are known to be pathogenic. Please note: this variant was assessed in the context of healthy population screening.